The following is an entry in ClinVar:

NM_001243133.2(NLRP3):c.760C>A (p.Leu254Met)

Gene: NLRP3 (NLR family pyrin domain containing 3; plus strand). Cytogenetic location: 1q44.
Variant type: single nucleotide variant.
Coding change: c.760C>A on transcript NM_001243133.2 (MANE Select); coding-DNA position 760, C replaced by A.
Protein change: p.Leu254Met; replaces leucine 254 with methionine.
Molecular consequence: missense variant.
Genome position (GRCh38, 1-based): chr1:247,424,209, C>A. VCF-style: chr1-247424209-C-A. GRCh37 (hg19) VCF-style: chr1-247587511-C-A.
Other names: c.760C>A, p.Leu254Met (NM_001079821.3, NM_001127461.3, NM_001127462.3 and 1 more transcripts); c.766C>A, p.Leu256Met (NM_004895.5); short protein forms L256M, L254M.
Identifiers: ClinVar variation 453071 (VCV000453071.2), dbSNP rs1553286385, ClinGen allele CA345555370.

ClinVar aggregate classification (germline): Uncertain significance (1 of 4 stars; one submission).

Submission:

GeneDx
Classification: Uncertain significance. Last evaluated: 2017-10-24. Review status: criteria provided, single submitter. Criteria: GeneDx Variant Classification (06012015). Collection method: clinical testing. Allele origin: germline. Affected: yes.
Comment: The L256M variant in the NLRP3 gene has not been reported previously as a pathogenic variant, nor as a benign variant, to our knowledge. This variant is not observed in large population cohorts (Lek et al., 2016). The L256M variant is a conservative amino acid substitution, which is not likely to impact secondary protein structure as these residues share similar properties. This substitution occurs at a position that is conserved in mammals. In silico analysis is inconsistent in its predictions as to whether or not the variant is damaging to the protein structure/function. We interpret L256M as a variant of uncertain significance.